The following is an entry in ClinVar:

ClinVar aggregate classification (germline): Uncertain significance. Review status: criteria provided, multiple submitters, no conflicts (2 of 4 stars). 2 submissions from 2 submitters: Uncertain significance (2). Last evaluated 2025-12-03.

Conditions:
Birt-Hogg-Dube syndrome. Also called: Birt Hogg Dubé syndrome. Identifiers: Orphanet 122, MedGen C0346010, MONDO:0800444.
Hereditary cancer-predisposing syndrome. Also called: Hereditary Cancer Syndrome; Neoplastic Syndromes, Hereditary; Hereditary neoplastic syndrome; Tumor predisposition. Identifiers: Orphanet 140162, MedGen C0027672, MeSH D009386, MONDO:0015356.

Allele frequency attached by ClinVar (database versions not stated): gnomAD exomes below 0.00001 and 0.00001; ExAC 0.00002.
gnomAD v4.1: 4 of 1,614,176 alleles (0.00025%); highest among the groups gnomAD compares: Admixed American, 0.0033%; no homozygotes.

Submissions (2):

Labcorp Genetics (formerly Invitae), Labcorp
Classification: Uncertain significance for Birt-Hogg-Dube syndrome. Last evaluated: 2025-12-03. Review status: criteria provided, single submitter. Criteria: Invitae Variant Classification Sherloc (09022015). Collection method: clinical testing. Allele origin: germline.
Comment: This sequence change replaces isoleucine, which is neutral and non-polar, with threonine, which is neutral and polar, at codon 104 of the FLCN protein (p.Ile104Thr). This variant is present in population databases (rs764679174, gnomAD 0.006%). This variant has not been reported in the literature in individuals affected with FLCN-related conditions. ClinVar contains an entry for this variant (Variation ID: 822933). Invitae Evidence Modeling of protein sequence and biophysical properties (such as structural, functional, and spatial information, amino acid conservation, physicochemical variation, residue mobility, and thermodynamic stability) indicates that this missense variant is not expected to disrupt FLCN protein function with a negative predictive value of 80%. In summary, the available evidence is currently insufficient to determine the role of this variant in disease. Therefore, it has been classified as a Variant of Uncertain Significance.

Ambry Genetics
Classification: Uncertain significance for Hereditary cancer-predisposing syndrome. Last evaluated: 2019-02-11. Review status: criteria provided, single submitter. Criteria: Ambry Variant Classification Scheme 2023. Collection method: clinical testing. Allele origin: germline.
Comment: The p.I104T variant (also known as c.311T>C), located in coding exon 2 of the FLCN gene, results from a T to C substitution at nucleotide position 311. The isoleucine at codon 104 is replaced by threonine, an amino acid with similar properties. This amino acid position is highly conserved in available vertebrate species. In addition, this alteration is predicted to be deleterious by in silico analysis. Since supporting evidence is limited at this time, the clinical significance of this alteration remains unclear.

NM_144997.7(FLCN):c.311T>C (p.Ile104Thr)

Gene: FLCN (folliculin; minus strand). Cytogenetic location: 17p11.2.
Variant type: single nucleotide variant.
Coding change: c.311T>C on transcript NM_144997.7 (MANE Select); coding-DNA position 311, T replaced by C.
Protein change: p.Ile104Thr; replaces isoleucine 104 with threonine.
Molecular consequence: missense variant.
Genome position (GRCh38, 1-based): chr17:17,226,261, A>G on the plus strand (T>C on the coding strand, the complement: FLCN is on the minus strand). VCF-style: chr17-17226261-A-G. GRCh37 (hg19) VCF-style: chr17-17129575-A-G.
Other names: c.311T>C, p.Ile104Thr (NM_001353229.2, NM_001353230.2, NM_001353231.2 and 1 more transcripts); short protein forms I104T.
Identifiers: ClinVar variation 822933 (VCV000822933.10), dbSNP rs764679174, ClinGen allele CA8416453.
Genomic context (GRCh38, chr17:17,226,261, plus strand): 5'-GCCTGGCGGACAATGCTGAAGAGCTGGGGGTGGCTGGGGTGCTGGTGGCTGACGTATTTA[A>G]TGGAGGTCTCTTTATCATGGCTGATATATCCCGGGTGCCCTGCAGCAAGTGACCGGCAGC-3'
Protein context (NP_659434.2, residues 94-114): GYISHDKETS[Ile104Thr]KYVSHQHPSH